The following is an entry in ClinVar:

NM_021167.5(GATAD1):c.777A>G (p.Ile259Met)

Gene: GATAD1 (GATA zinc finger domain containing 1; plus strand). Cytogenetic location: 7q21.2.
Variant type: single nucleotide variant.
Coding change: c.777A>G on transcript NM_021167.5 (MANE Select); coding-DNA position 777, A replaced by G.
Protein change: p.Ile259Met; replaces isoleucine 259 with methionine.
Molecular consequence: missense variant. On other transcripts: non-coding transcript variant (1).
Genome position (GRCh38, 1-based): chr7:92,456,529, A>G. VCF-style: chr7-92456529-A-G. GRCh37 (hg19) VCF-style: chr7-92085843-A-G.
Other names: short protein forms I259M.
Identifiers: ClinVar variation 1949282 (VCV001949282.5), dbSNP rs2484541561, ClinGen allele CA368163092.

ClinVar aggregate classification (germline): Uncertain significance (1 of 4 stars; one submission).

Conditions:
Dilated cardiomyopathy 2B. Identifiers: Orphanet 154, MedGen C3553409, MONDO:0013848, OMIM 614672.

Allele frequency attached by ClinVar (database versions not stated): gnomAD exomes below 0.00001.
gnomAD v4.1: 1 of 1,612,576 alleles (0.000062%); highest among the groups gnomAD compares: Non-Finnish European, 0.000085%; no homozygotes.

Submission:

Labcorp Genetics (formerly Invitae), Labcorp
Classification: Uncertain significance for Dilated cardiomyopathy 2B. Last evaluated: 2022-08-09. Review status: criteria provided, single submitter. Criteria: Invitae Variant Classification Sherloc (09022015). Collection method: clinical testing. Allele origin: germline.
Comment: In summary, the available evidence is currently insufficient to determine the role of this variant in disease. Therefore, it has been classified as a Variant of Uncertain Significance. Algorithms developed to predict the effect of missense changes on protein structure and function are either unavailable or do not agree on the potential impact of this missense change (SIFT: "Deleterious"; PolyPhen-2: "Benign"; Align-GVGD: "Class C0"). This variant has not been reported in the literature in individuals affected with GATAD1-related conditions. This variant is not present in population databases (gnomAD no frequency). This sequence change replaces isoleucine, which is neutral and non-polar, with methionine, which is neutral and non-polar, at codon 259 of the GATAD1 protein (p.Ile259Met).